The following is an entry in ClinVar:

NM_001353921.2(ARHGEF9):c.583-18T>G

Gene: ARHGEF9 (Cdc42 guanine nucleotide exchange factor 9; minus strand). Cytogenetic location: Xq11.1.
Variant type: single nucleotide variant.
Coding change: c.583-18T>G on transcript NM_001353921.2 (MANE Select); 18 bases into the intron before coding-DNA position 583, T replaced by G.
Molecular consequence: intron variant.
Genome position (GRCh38, 1-based): chrX:63,678,590, A>C on the plus strand (T>G on the coding strand, the complement: ARHGEF9 is on the minus strand). VCF-style: chrX-63678590-A-C. GRCh37 (hg19) VCF-style: chrX-62898470-A-C.
Other names: c.403-18T>G (NM_001173479.2); c.583-18T>G (NM_001353922.2); c.499-18T>G (NM_001369043.1, NM_001330495.2, NM_001369038.1 and 8 more transcripts); c.601-18T>G (NM_001353923.1); c.382-18T>G (NM_001369040.1, NM_001369039.1, NM_001353926.2 and 1 more transcripts); c.562-18T>G (NM_001369031.1, NM_001369030.1, NM_001369032.1 and 2 more transcripts); c.148-18T>G (NM_001369045.1); c.256-18T>G (NM_001173480.2, NM_001369042.1).
Identifiers: ClinVar variation 384006 (VCV000384006.10), dbSNP rs1057521815, ClinGen allele CA16608543.
Genomic context (GRCh38, chrX:63,678,590, plus strand): 5'-GGTGGTTGTTACAATACTCAGAGTATATCCAGAATCCATCTTGCTGTGGGAAAAGAAAAA[A>C]AGGAAAGGAAAAGTCTACCAAGGACCCCAAAAGAAGTCTTGAAGTAATGGAAAGACAGAT-3'

ClinVar aggregate classification (germline): Likely benign. Review status: criteria provided, multiple submitters, no conflicts (2 of 4 stars). 2 submissions from 2 submitters: Likely benign (2). Last evaluated 2025-10-26.

Conditions:
Developmental and epileptic encephalopathy, 8 (DEE8). Also called: HYPEREKPLEXIA AND EPILEPSY. Identifiers: Orphanet 163985, Orphanet 2076, MedGen C1845102, MONDO:0010375, OMIM 300607.

Allele frequency attached by ClinVar (database versions not stated): gnomAD exomes 0.00001 and 0.00010; gnomAD 0.00003; TOPMed 0.00004.
gnomAD v4.1: 98 of 1,135,945 alleles (0.0086%); highest among the groups gnomAD compares: Non-Finnish European, 0.011%; no homozygotes.

Submissions (3):

Labcorp Genetics (formerly Invitae), Labcorp
Classification: Likely benign for Developmental and epileptic encephalopathy, 8. Last evaluated: 2025-10-26. Review status: criteria provided, single submitter. Criteria: Invitae Variant Classification Sherloc (09022015). Collection method: clinical testing. Allele origin: germline.

GeneDx
Classification: Likely benign. Last evaluated: 2016-03-03. Review status: criteria provided, single submitter. Criteria: GeneDx Variant Classification (06012015). Collection method: clinical testing. Allele origin: germline. Affected: yes.
Comment: This variant is considered likely benign or benign based on one or more of the following criteria: it is a conservative change, it occurs at a poorly conserved position in the protein, it is predicted to be benign by multiple in silico algorithms, and/or has population frequency not consistent with disease.

Dr. Peter K. Rogan Lab, Western University
No classification provided (evidence only). Condition: Acute myeloid leukemia. Review status: no classification provided. Collection method: in vitro. Allele origin: not applicable. Functional consequence: retained intron. Not counted in ClinVar's aggregate classification.